The following is an entry in ClinVar:

NM_004667.6(HERC2):c.2978T>C (p.Ile993Thr)

Gene: HERC2 (HECT and RLD domain containing E3 ubiquitin protein ligase 2; minus strand). Cytogenetic location: 15q13.1.
Variant type: single nucleotide variant.
Coding change: c.2978T>C on transcript NM_004667.6 (MANE Select); coding-DNA position 2978, T replaced by C.
Protein change: p.Ile993Thr; replaces isoleucine 993 with threonine.
Molecular consequence: missense variant.
Genome position (GRCh38, 1-based): chr15:28,254,412, A>G on the plus strand (T>C on the coding strand, the complement: HERC2 is on the minus strand). VCF-style: chr15-28254412-A-G. GRCh37 (hg19) VCF-style: chr15-28499558-A-G.
Other names: short protein forms I993T.
Identifiers: ClinVar variation 3376700 (VCV003376700.1).

ClinVar aggregate classification (germline): Uncertain significance (1 of 4 stars; one submission).

Conditions:
Developmental delay with autism spectrum disorder and gait instability (MRT38). Also called: Intellectual developmental disorder, autosomal recessive 38. Identifiers: Orphanet 329195, MedGen C3809753, MONDO:0014224, OMIM 615516.

gnomAD v4.1: 2 of 1,609,458 alleles (0.00012%); highest among the groups gnomAD compares: East Asian, 0.0022%; no homozygotes.

Submission:

Victorian Clinical Genetics Services, Murdoch Childrens Research Institute
Classification: Uncertain significance for Developmental delay with autism spectrum disorder and gait instability. Last evaluated: 2024-10-09. Review status: criteria provided, single submitter. Criteria: ACMG Guidelines, 2015. Collection method: clinical testing. Allele origin: germline. Inheritance: Autosomal recessive inheritance. Affected: yes.
Comment: Based on the classification scheme VCGS_Germline_v1.3.4, this variant is classified as VUS-3B. Following criteria are met: 0102 - Loss of function is a known mechanism of disease in this gene and is associated with autosomal recessive intellectual developmental disorder 38 (MIM#615516). (I) 0106 - This gene is associated with autosomal recessive disease. (I) 0200 - Variant is predicted to result in a missense amino acid change from isoleucine to threonine. (I) 0252 - This variant is homozygous. (I) 0304 - Variant is present in gnomAD <0.01 for a recessive condition (v2: 1 heterozygote, 0 homozygotes). (SP) 0502 - Missense variant with conflicting in silico predictions and uninformative conservation. (I) 0604 - Variant is not located in an established domain, motif, hotspot or informative constraint region. (I) 0705 - No comparable missense variants have previous evidence for pathogenicity. (I) 0807 - This variant has no previous evidence of pathogenicity. (I) 0905 - No published segregation evidence has been identified for this variant. (I) 1007 - No published functional evidence has been identified for this variant. (I) 1207 - Parental origin of the variant is unresolved. (I) Legend: (SP) - Supporting pathogenic, (I) - Information, (SB) - Supporting benign